The following is an entry in ClinVar:

NM_000702.4(ATP1A2):c.1843G>A (p.Gly615Arg)

Gene: ATP1A2 (ATPase Na+/K+ transporting subunit alpha 2; plus strand). Cytogenetic location: 1q23.2.
Variant type: single nucleotide variant.
Coding change: c.1843G>A on transcript NM_000702.4 (MANE Select); coding-DNA position 1843, G replaced by A.
Protein change: p.Gly615Arg; replaces glycine 615 with arginine.
Molecular consequence: missense variant.
Genome position (GRCh38, 1-based): chr1:160,134,499, G>A. VCF-style: chr1-160134499-G-A. GRCh37 (hg19) VCF-style: chr1-160104289-G-A.
Other names: short protein forms G615R.
Identifiers: ClinVar variation 1029935 (VCV001029935.5), dbSNP rs770053423, ClinGen allele CA1194599.

ClinVar aggregate classification (germline): Pathogenic/Likely pathogenic. Review status: criteria provided, multiple submitters, no conflicts (2 of 4 stars). 2 submissions from 2 submitters: Pathogenic (1); Likely pathogenic (1). Last evaluated 2025-12-13.

Conditions:
Familial hemiplegic migraine. Identifiers: MedGen C0338484, MONDO:0000700.
Alternating hemiplegia of childhood 1 (AHC1). Identifiers: Orphanet 2131, MedGen C3549447, MONDO:0007087, OMIM 104290.

Allele frequency attached by ClinVar (database versions not stated): gnomAD exomes below 0.00001; ExAC 0.00001.
gnomAD v4.1: 1 of 1,614,148 alleles (0.000062%); highest among the groups gnomAD compares: Non-Finnish European, 0.000085%; no homozygotes.

Submissions (2):

Labcorp Genetics (formerly Invitae), Labcorp
Classification: Pathogenic for Familial hemiplegic migraine. Last evaluated: 2025-12-13. Review status: criteria provided, single submitter. Criteria: Invitae Variant Classification Sherloc (09022015). Collection method: clinical testing. Allele origin: germline.
Comment: This sequence change replaces glycine, which is neutral and non-polar, with arginine, which is basic and polar, at codon 615 of the ATP1A2 protein (p.Gly615Arg). This variant is not present in population databases (gnomAD no frequency). This missense change has been observed in individual(s) with autosomal dominant familial hemiplegic migraine (PMID: 16437583, 20837964). In at least one individual the variant was observed to be de novo. It has also been observed to segregate with disease in related individuals. ClinVar contains an entry for this variant (Variation ID: 1029935). Invitae Evidence Modeling of protein sequence and biophysical properties (such as structural, functional, and spatial information, amino acid conservation, physicochemical variation, residue mobility, and thermodynamic stability) indicates that this missense variant is expected to disrupt ATP1A2 protein function with a positive predictive value of 80%. Experimental studies have shown that this missense change affects ATP1A2 function (PMID: 16437583). For these reasons, this variant has been classified as Pathogenic.

Baylor Genetics
Classification: Likely pathogenic for Alternating hemiplegia of childhood 1. Last evaluated: 2019-03-07. Review status: criteria provided, single submitter. Criteria: ACMG Guidelines, 2015. Collection method: clinical testing. Allele origin: de novo. Affected: yes.
Comment: This variant was determined to be likely pathogenic according to ACMG Guidelines, 2015 [PMID:25741868]. This variant has been previously reported as disease causing [PMID 16437583, 28717674]

Literature cited by the submitters: PubMed 16437583 (cited by Labcorp Genetics (formerly Invitae), Labcorp and Baylor Genetics); PubMed 20837964 (cited by Labcorp Genetics (formerly Invitae), Labcorp); PubMed 28717674 (cited by Baylor Genetics).